The following is an entry in ClinVar:

ClinVar aggregate classification (germline): Uncertain significance (1 of 4 stars; one submission).

Conditions:
Epileptic encephalopathy. Identifiers: MedGen C0543888, HP:0200134.

Allele frequency attached by ClinVar (database versions not stated): gnomAD exomes below 0.00001; TOPMed below 0.00001.

Submission:

Labcorp Genetics (formerly Invitae), Labcorp
Classification: Uncertain significance for Epileptic encephalopathy. Last evaluated: 2021-11-21. Review status: criteria provided, single submitter. Criteria: Invitae Variant Classification Sherloc (09022015). Collection method: clinical testing. Allele origin: germline.
Comment: This sequence change replaces glutamine, which is neutral and polar, with arginine, which is basic and polar, at codon 2101 of the FASN protein (p.Gln2101Arg). In summary, the available evidence is currently insufficient to determine the role of this variant in disease. Therefore, it has been classified as a Variant of Uncertain Significance. Algorithms developed to predict the effect of missense changes on protein structure and function (SIFT, PolyPhen-2, Align-GVGD) all suggest that this variant is likely to be tolerated. This variant has not been reported in the literature in individuals affected with FASN-related conditions. This variant is present in population databases (no rsID available, gnomAD 0.003%).

NM_004104.5(FASN):c.6302A>G (p.Gln2101Arg)

Gene: FASN (fatty acid synthase; minus strand). Cytogenetic location: 17q25.3.
Variant type: single nucleotide variant.
Coding change: c.6302A>G on transcript NM_004104.5 (MANE Select); coding-DNA position 6302, A replaced by G.
Protein change: p.Gln2101Arg; replaces glutamine 2101 with arginine.
Molecular consequence: missense variant.
Genome position (GRCh38, 1-based): chr17:82,081,705, T>C on the plus strand (A>G on the coding strand, the complement: FASN is on the minus strand). VCF-style: chr17-82081705-T-C. GRCh37 (hg19) VCF-style: chr17-80039581-T-C.
Other names: short protein forms Q2101R.
Identifiers: ClinVar variation 1364846 (VCV001364846.6), dbSNP rs1234582468, ClinGen allele CA401600921.
Genomic context (GRCh38, chr17:82,081,705, plus strand): 5'-CTGTCCCTATAGGCCGCAGCCTTCTCAGCCAGCACAAAGCTGCTCAGGACCATGTGGGGC[T>C]GGTTCAGGAAGAGGTCCAGCACCTCCAGGCAGGACGCCATGCGCTGGGGCAGCGTGCCAC-3'
Protein context (NP_004095.4, residues 2091-2111): CLEVLDLFLN[Gln2101Arg]PHMVLSSFVL